The following is an entry in ClinVar:

ClinVar aggregate classification (germline): Likely pathogenic (1 of 4 stars; one submission).

Conditions:
Seizures, benign familial infantile, 3 (BFIS3). Also called: Familial neonatal seizures; CONVULSIONS, BENIGN FAMILIAL INFANTILE, 3. Identifiers: Orphanet 140927, Orphanet 306, MedGen C1843140, MONDO:0011904, OMIM 607745.
Developmental and epileptic encephalopathy, 11 (DEE11). Also called: Early infantile epileptic encephalopathy 11. Identifiers: Orphanet 1934, MedGen C3150987, MONDO:0013388, OMIM 613721.

Submission:

Labcorp Genetics (formerly Invitae), Labcorp
Classification: Likely pathogenic for Seizures, benign familial infantile, 3; Developmental and epileptic encephalopathy, 11. Last evaluated: 2019-03-28. Review status: criteria provided, single submitter. Criteria: Invitae Variant Classification Sherloc (09022015). Collection method: clinical testing. Allele origin: germline.
Comment: This sequence change replaces serine with glycine at codon 984 of the SCN2A protein (p.Ser984Gly). The serine residue is highly conserved and there is a small physicochemical difference between serine and glycine. This variant is not present in population databases (ExAC no frequency). Algorithms developed to predict the effect of missense changes on protein structure and function are either unavailable or do not agree on the potential impact of this missense change (SIFT: "Deleterious"; PolyPhen-2: "Possibly Damaging"; Align-GVGD: "Class C0"). In summary, the currently available evidence indicates that the variant is pathogenic, but additional data are needed to prove that conclusively. Therefore, this variant has been classified as Likely Pathogenic.

NM_001040142.2(SCN2A):c.2950A>G (p.Ser984Gly)

Gene: SCN2A (sodium voltage-gated channel alpha subunit 2; plus strand). Cytogenetic location: 2q24.3.
Variant type: single nucleotide variant.
Coding change: c.2950A>G on transcript NM_001040142.2 (MANE Select); coding-DNA position 2950, A replaced by G.
Protein change: p.Ser984Gly; replaces serine 984 with glycine.
Molecular consequence: missense variant.
Genome position (GRCh38, 1-based): chr2:165,354,222, A>G. VCF-style: chr2-165354222-A-G. GRCh37 (hg19) VCF-style: chr2-166210732-A-G.
Other names: c.2950A>G, p.Ser984Gly (NM_001040143.2, NM_001371246.1, NM_001371247.1 and 1 more transcripts); short protein forms S984G.
Identifiers: ClinVar variation 836860 (VCV000836860.10), dbSNP rs1700069881, ClinGen allele CA349019442.